The following is an entry in ClinVar:

NM_003793.4(CTSF):c.1026C>T (p.Tyr342=)

Gene: CTSF (cathepsin F; minus strand). Cytogenetic location: 11q13.2.
Variant type: single nucleotide variant.
Coding change: c.1026C>T on transcript NM_003793.4 (MANE Select); coding-DNA position 1026, C replaced by T.
Protein change: p.Tyr342=; no amino-acid change (tyrosine 342 retained).
Molecular consequence: synonymous variant.
Genome position (GRCh38, 1-based): chr11:66,565,690, G>A on the plus strand (C>T on the coding strand, the complement: CTSF is on the minus strand). VCF-style: chr11-66565690-G-A. GRCh37 (hg19) VCF-style: chr11-66333161-G-A.
Identifiers: ClinVar variation 588515 (VCV000588515.18), dbSNP rs762134997, ClinGen allele CA6125347.

ClinVar aggregate classification (germline): Likely benign. Review status: criteria provided, multiple submitters, no conflicts (2 of 4 stars). 6 submissions from 6 submitters: Likely benign (6). Last evaluated 2026-01-01.

Conditions:
Inborn genetic diseases. Identifiers: MedGen C0950123, MeSH D030342.
Neuronal ceroid lipofuscinosis 13 (CLN13). Also called: CEROID LIPOFUSCINOSIS, NEURONAL, 13 (KUFS TYPE); CLN13 Disease. Identifiers: Orphanet 352709, Orphanet 79262, MedGen C3715049, MONDO:0014147, OMIM 615362.

Allele frequency attached by ClinVar (database versions not stated): TOPMed 0.00002; gnomAD 0.00003 and 0.00004.
gnomAD v4.1: 43 of 1,613,476 alleles (0.0027%); highest among the groups gnomAD compares: Non-Finnish European, 0.0031%; no homozygotes.

Submissions (6):

CeGaT Center for Human Genetics Tuebingen
Classification: Likely benign. Last evaluated: 2026-01-01. Review status: criteria provided, single submitter. Criteria: CeGaT Center For Human Genetics Tuebingen Variant Classification Criteria Version 2. Collection method: clinical testing. Allele origin: germline. Affected: yes. Observed: 1 variant allele.
Comment: CTSF: BP4, BP7

Labcorp Genetics (formerly Invitae), Labcorp
Classification: Likely benign for Neuronal ceroid lipofuscinosis 13. Last evaluated: 2025-12-22. Review status: criteria provided, single submitter. Criteria: Invitae Variant Classification Sherloc (09022015). Collection method: clinical testing. Allele origin: germline.

Athena Diagnostics
Classification: Likely benign. Last evaluated: 2025-04-25. Review status: criteria provided, single submitter. Criteria: Athena Diagnostics Criteria. Collection method: clinical testing. Allele origin: unknown.
Comment: Computational tools yielded predictions that this variant is unlikely to have an effect on normal RNA splicing. This nucleotide position exhibits low evolutionary conservation.

Blueprint Genetics
Classification: Likely benign. Last evaluated: 2024-09-05. Review status: criteria provided, single submitter. Criteria: ACMG Guidelines, 2015. Collection method: clinical testing. Allele origin: germline.

GeneDx
Classification: Likely benign. Last evaluated: 2022-05-31. Review status: criteria provided, single submitter. Criteria: GeneDx Variant Classification Process June 2021. Collection method: clinical testing. Allele origin: germline. Affected: yes.
Comment: See Variant Classification Assertion Criteria.

Ambry Genetics
Classification: Likely benign for Inborn genetic diseases. Last evaluated: 2016-12-03. Review status: criteria provided, single submitter. Criteria: Ambry Variant Classification Scheme 2023. Collection method: clinical testing. Allele origin: germline.